The following is an entry in ClinVar:

NM_198578.4(LRRK2):c.6266A>G (p.Gln2089Arg)

Gene: LRRK2 (leucine rich repeat kinase 2; plus strand). Cytogenetic location: 12q12.
Variant type: single nucleotide variant.
Coding change: c.6266A>G on transcript NM_198578.4 (MANE Select); coding-DNA position 6266, A replaced by G.
Protein change: p.Gln2089Arg; replaces glutamine 2089 with arginine.
Molecular consequence: missense variant.
Genome position (GRCh38, 1-based): chr12:40,346,909, A>G. VCF-style: chr12-40346909-A-G. GRCh37 (hg19) VCF-style: chr12-40740711-A-G.
Other names: short protein forms Q2089R.
Identifiers: ClinVar variation 1752515 (VCV001752515.3), dbSNP rs1592319699, ClinGen allele CA384405725.

ClinVar aggregate classification (germline): Uncertain significance (1 of 4 stars; one submission).

Conditions:
Inborn genetic diseases. Identifiers: MedGen C0950123, MeSH D030342.

Allele frequency attached by ClinVar (database versions not stated): gnomAD exomes 0.00001.
gnomAD v4.1: 12 of 1,611,362 alleles (0.00074%); highest among the groups gnomAD compares: Non-Finnish European, 0.00059%; no homozygotes.

Submission:

Ambry Genetics
Classification: Uncertain significance for Inborn genetic diseases. Last evaluated: 2024-05-19. Review status: criteria provided, single submitter. Criteria: Ambry Variant Classification Scheme 2023. Collection method: clinical testing. Allele origin: germline.
Comment: The p.Q2089R variant (also known as c.6266A>G), located in coding exon 42 of the LRRK2 gene, results from an A to G substitution at nucleotide position 6266. The glutamine at codon 2089 is replaced by arginine, an amino acid with highly similar properties. This amino acid position is conserved. In addition, this alteration is predicted to be tolerated by in silico analysis. Since supporting evidence is limited at this time, the clinical significance of this alteration remains unclear.